The following is an entry in ClinVar:

NM_001372.4(DNAH9):c.10613T>C (p.Ile3538Thr)

Genes: DNAH9 (dynein axonemal heavy chain 9; plus strand), LOC101928350 (uncharacterized LOC101928350; minus strand). Cytogenetic location: 17p12.
Variant type: single nucleotide variant.
Coding change: c.10613T>C on transcript NM_001372.4 (MANE Select); coding-DNA position 10613, T replaced by C.
Protein change: p.Ile3538Thr; replaces isoleucine 3538 with threonine.
Molecular consequence: missense variant.
Genome position (GRCh38, 1-based): chr17:11,881,220, T>C. VCF-style: chr17-11881220-T-C. GRCh37 (hg19) VCF-style: chr17-11784537-T-C.
Other names: short protein forms I3538T.
Identifiers: ClinVar variation 2120049 (VCV002120049.3), dbSNP rs770528780, ClinGen allele CA8397597.

ClinVar aggregate classification (germline): Uncertain significance (1 of 4 stars; one submission).

Allele frequency attached by ClinVar (database versions not stated): gnomAD 0.00001; gnomAD exomes 0.00001; ExAC 0.00002; TOPMed 0.00002.
gnomAD v4.1: 11 of 1,614,054 alleles (0.00068%); highest among the groups gnomAD compares: African/African-American, 0.0013%; no homozygotes.

Submission:

Labcorp Genetics (formerly Invitae), Labcorp
Classification: Uncertain significance. Last evaluated: 2024-05-08. Review status: criteria provided, single submitter. Criteria: Invitae Variant Classification Sherloc (09022015). Collection method: clinical testing. Allele origin: germline.
Comment: This sequence change replaces isoleucine, which is neutral and non-polar, with threonine, which is neutral and polar, at codon 3538 of the DNAH9 protein (p.Ile3538Thr). This variant is present in population databases (rs770528780, gnomAD 0.003%). This variant has not been reported in the literature in individuals affected with DNAH9-related conditions. ClinVar contains an entry for this variant (Variation ID: 2120049). Advanced modeling of protein sequence and biophysical properties (such as structural, functional, and spatial information, amino acid conservation, physicochemical variation, residue mobility, and thermodynamic stability) performed at Invitae indicates that this missense variant is expected to disrupt DNAH9 protein function with a positive predictive value of 80%. In summary, the available evidence is currently insufficient to determine the role of this variant in disease. Therefore, it has been classified as a Variant of Uncertain Significance.